The following is an entry in ClinVar:

NM_006267.5(RANBP2):c.1920A>G (p.Ala640=)

Gene: RANBP2 (RAN binding protein 2; plus strand). Cytogenetic location: 2q13.
Variant type: single nucleotide variant.
Coding change: c.1920A>G on transcript NM_006267.5 (MANE Select); coding-DNA position 1920, A replaced by G.
Protein change: p.Ala640=; no amino-acid change (alanine 640 retained).
Molecular consequence: synonymous variant.
Genome position (GRCh38, 1-based): chr2:108,753,428, A>G. VCF-style: chr2-108753428-A-G. GRCh37 (hg19) VCF-style: chr2-109369884-A-G.
Identifiers: ClinVar variation 469432 (VCV000469432.38), dbSNP rs147080366, ClinGen allele CA1822487.

ClinVar aggregate classification (germline): Benign/Likely benign. Review status: criteria provided, multiple submitters, no conflicts (2 of 4 stars). 6 submissions from 6 submitters: Benign (1); Likely benign (3). 2 of the submissions do not count toward it. Last evaluated 2026-01-31.

Conditions:
Familial acute necrotizing encephalopathy (IIAE3). Also called: Susceptibility to Acute Necrotizing Encephalopathy 1; ENCEPHALOPATHY, ACUTE, INFECTION-INDUCED, SUSCEPTIBILITY TO, 3. Identifiers: Orphanet 88619, MedGen C2675556, MONDO:0011953, OMIM 608033.

Allele frequency attached by ClinVar (database versions not stated): 1000 Genomes Project 0.00020; 1000 Genomes Project 30x 0.00031; TOPMed 0.00075; ESP Exome Variant Server 0.00084; gnomAD exomes 0.00103 and 0.00108; gnomAD 0.00106; ExAC 0.00122.
gnomAD v4.1: 1,695 of 1,611,734 alleles (0.11%); highest among the groups gnomAD compares: Non-Finnish European, 0.12%; 1 homozygote.

Submissions (6):

Labcorp Genetics (formerly Invitae), Labcorp
Classification: Benign for Familial acute necrotizing encephalopathy. Last evaluated: 2026-01-31. Review status: criteria provided, single submitter. Criteria: Invitae Variant Classification Sherloc (09022015). Collection method: clinical testing. Allele origin: germline.

CeGaT Center for Human Genetics Tuebingen
Classification: Likely benign. Last evaluated: 2025-04-01. Review status: criteria provided, single submitter. Criteria: CeGaT Center For Human Genetics Tuebingen Variant Classification Criteria Version 2. Collection method: clinical testing. Allele origin: germline. Affected: yes. Observed: 2 variant alleles.
Comment: RANBP2: BP4, BP7

Blueprint Genetics
Classification: Likely benign. Last evaluated: 2024-11-08. Review status: criteria provided, single submitter. Criteria: ACMG Guidelines, 2015. Collection method: clinical testing. Allele origin: germline.

GeneDx
Classification: Likely benign. Last evaluated: 2018-02-05. Review status: criteria provided, single submitter. Criteria: GeneDx Variant Classification (06012015). Collection method: clinical testing. Allele origin: germline. Affected: yes.
Comment: This variant is considered likely benign or benign based on one or more of the following criteria: it is a conservative change, it occurs at a poorly conserved position in the protein, it is predicted to be benign by multiple in silico algorithms, and/or has population frequency not consistent with disease.

Clinical Genetics DNA and cytogenetics Diagnostics Lab, Erasmus MC, Erasmus Medical Center
Classification: Likely benign. Review status: no assertion criteria provided. Collection method: clinical testing. Allele origin: germline. Affected: yes. Study: VKGL Data-share Consensus. Not counted in ClinVar's aggregate classification.

Genome Diagnostics Laboratory, University Medical Center Utrecht
Classification: Likely benign. Review status: no assertion criteria provided. Collection method: clinical testing. Allele origin: germline. Affected: yes. Study: VKGL Data-share Consensus. Not counted in ClinVar's aggregate classification.